The following is an entry in ClinVar:

ClinVar aggregate classification (germline): Uncertain significance (1 of 4 stars; one submission).

Submission:

Labcorp Genetics (formerly Invitae), Labcorp
Classification: Uncertain significance. Last evaluated: 2021-02-22. Review status: criteria provided, single submitter. Criteria: Invitae Variant Classification Sherloc (09022015). Collection method: clinical testing. Allele origin: germline.
Comment: Algorithms developed to predict the effect of missense changes on protein structure and function are either unavailable or do not agree on the potential impact of this missense change (SIFT: "Deleterious"; PolyPhen-2: "Benign"; Align-GVGD: "Class C15"). In summary, the available evidence is currently insufficient to determine the role of this variant in disease. Therefore, it has been classified as a Variant of Uncertain Significance. This sequence change replaces phenylalanine with leucine at codon 81 of the NDP protein (p.Phe81Leu). The phenylalanine residue is highly conserved and there is a small physicochemical difference between phenylalanine and leucine. This variant is not present in population databases (ExAC no frequency). This variant has not been reported in the literature in individuals with NDP-related conditions.

NM_000266.4(NDP):c.243C>G (p.Phe81Leu)

Genes: NDP (norrin cystine knot growth factor NDP; minus strand), NDP-AS1 (NDP antisense RNA 1; plus strand). Cytogenetic location: Xp11.3.
Variant type: single nucleotide variant.
Coding change: c.243C>G on transcript NM_000266.4 (MANE Select); coding-DNA position 243, C replaced by G.
Protein change: p.Phe81Leu; replaces phenylalanine 81 with leucine.
Molecular consequence: missense variant. On other transcripts: non-coding transcript variant (1).
Genome position (GRCh38, 1-based): chrX:43,949,958, G>C on the plus strand (C>G on the coding strand, the complement: NDP is on the minus strand). VCF-style: chrX-43949958-G-C. GRCh37 (hg19) VCF-style: chrX-43809204-G-C.
Other names: short protein forms F81L.
Identifiers: ClinVar variation 1473201 (VCV001473201.8), dbSNP rs2035751126, ClinGen allele CA413007749.